The following is an entry in ClinVar:

ClinVar aggregate classification (germline): Uncertain significance (1 of 4 stars; one submission).

Allele frequency attached by ClinVar (database versions not stated): TOPMed 0.00004; ExAC 0.00001; gnomAD 0.00001.
gnomAD v4.1: 15 of 1,609,122 alleles (0.00093%); highest among the groups gnomAD compares: Admixed American, 0.017%; no homozygotes.

Submission:

Labcorp Genetics (formerly Invitae), Labcorp
Classification: Uncertain significance. Last evaluated: 2026-01-27. Review status: criteria provided, single submitter. Criteria: Invitae Variant Classification Sherloc (09022015). Collection method: clinical testing. Allele origin: germline.
Comment: This sequence change replaces arginine, which is basic and polar, with glutamine, which is neutral and polar, at codon 335 of the DCHS1 protein (p.Arg335Gln). This variant is present in population databases (rs759077108, gnomAD 0.01%). This variant has not been reported in the literature in individuals affected with DCHS1-related conditions. ClinVar contains an entry for this variant (Variation ID: 2956349). Invitae Evidence Modeling of protein sequence and biophysical properties (such as structural, functional, and spatial information, amino acid conservation, physicochemical variation, residue mobility, and thermodynamic stability) indicates that this missense variant is not expected to disrupt DCHS1 protein function with a negative predictive value of 95%. In summary, the available evidence is currently insufficient to determine the role of this variant in disease. Therefore, it has been classified as a Variant of Uncertain Significance.

NM_003737.4(DCHS1):c.1004G>A (p.Arg335Gln)

Gene: DCHS1 (dachsous cadherin-related 1; minus strand). Cytogenetic location: 11p15.4.
Variant type: single nucleotide variant.
Coding change: c.1004G>A on transcript NM_003737.4 (MANE Select); coding-DNA position 1004, G replaced by A.
Protein change: p.Arg335Gln; replaces arginine 335 with glutamine.
Molecular consequence: missense variant.
Genome position (GRCh38, 1-based): chr11:6,640,610, C>T on the plus strand (G>A on the coding strand, the complement: DCHS1 is on the minus strand). VCF-style: chr11-6640610-C-T. GRCh37 (hg19) VCF-style: chr11-6661841-C-T.
Other names: short protein forms R335Q.
Identifiers: ClinVar variation 2956349 (VCV002956349.3), dbSNP rs759077108, ClinGen allele CA5861042.